The following is an entry in ClinVar:

ClinVar aggregate classification (germline): Likely pathogenic (1 of 4 stars; one submission).

Conditions:
Fabry disease. Also called: Fabry's disease; GLA DEFICIENCY; HEREDITARY DYSTOPIC LIPIDOSIS; Ceramide trihexosidosis; Angiokeratoma corporis diffusum; ALPHA-GALACTOSIDASE A DEFICIENCY. Identifiers: Orphanet 324, MedGen C0002986, MONDO:0010526, OMIM 301500, HP:0001071. Disease mechanism: Fabry disease is due to inactivating mutations in the X-linked GLA gene resulting in deficiency of the enzyme Alpha Galactosidase-A., loss of function.

Submission:

Genetics Laboratory, Great Ormond Street Hospital NHS Foundation Trust, North Thames Genomic Laboratory Hub
Classification: Likely pathogenic for Fabry disease. Last evaluated: 2026-07-09. Review status: criteria provided, single submitter. Criteria: ACGS Best Practice Guidelines for Variant Classification in Rare Disease 2024 v1.2. Collection method: clinical testing. Allele origin: germline. Affected: yes.
Comment: PM2_moderate, PP3_supporting, PM5_moderate, PP4_strong

NM_000169.3(GLA):c.485G>C (p.Trp162Ser)

Genes: GLA (galactosidase alpha; minus strand), RPL36A-HNRNPH2 (RPL36A-HNRNPH2 readthrough; plus strand). Cytogenetic location: Xq22.1.
Variant type: single nucleotide variant.
Coding change: c.485G>C on transcript NM_000169.3 (MANE Select); coding-DNA position 485, G replaced by C.
Protein change: p.Trp162Ser; replaces tryptophan 162 with serine.
Molecular consequence: missense variant. On other transcripts: non-coding transcript variant (3), intron variant (2).
Genome position (GRCh38, 1-based): chrX:101,401,694, C>G on the plus strand (G>C on the coding strand, the complement: GLA is on the minus strand). VCF-style: chrX-101401694-C-G. GRCh37 (hg19) VCF-style: chrX-100656682-C-G.
Other names: c.608G>C, p.Trp203Ser (NM_001406747.1, NM_001406749.1); c.485G>C, p.Trp162Ser (NM_001406748.1); c.300+6237C>G (NM_001199973.2); c.177+9872C>G (NM_001199974.2); short protein forms W162S, W203S.
Identifiers: ClinVar variation 4887998 (VCV004887998.1).